The following is an entry in ClinVar:

ClinVar aggregate classification (germline): Likely benign. Review status: criteria provided, multiple submitters, no conflicts (2 of 4 stars). 4 submissions from 4 submitters: Likely benign (4). Last evaluated 2025-10-01.

Conditions:
Mitochondrial complex IV deficiency, nuclear type 7. Also called: Mitochondrial complex 4 deficiency, nuclear type 7. Identifiers: MedGen C5436685, MONDO:0033637, OMIM 619051.

Allele frequency attached by ClinVar (database versions not stated): gnomAD exomes 0.00004 and 0.00016; 1000 Genomes Project 30x 0.00016; ExAC 0.00018; 1000 Genomes Project 0.00020; gnomAD 0.00036 and 0.00039; TOPMed 0.00038; ESP Exome Variant Server 0.00046.
gnomAD v4.1: 119 of 1,614,052 alleles (0.0074%); highest among the groups gnomAD compares: African/African-American, 0.11%; no homozygotes.

Submissions (4):

Labcorp Genetics (formerly Invitae), Labcorp
Classification: Likely benign. Last evaluated: 2025-10-01. Review status: criteria provided, single submitter. Criteria: Invitae Variant Classification Sherloc (09022015). Collection method: clinical testing. Allele origin: germline.

Blueprint Genetics
Classification: Likely benign. Last evaluated: 2024-11-11. Review status: criteria provided, single submitter. Criteria: ACMG Guidelines, 2015. Collection method: clinical testing. Allele origin: germline.

Fulgent Genetics
Classification: Likely benign for Mitochondrial complex IV deficiency, nuclear type 7. Last evaluated: 2021-12-09. Review status: criteria provided, single submitter. Criteria: ACMG Guidelines, 2015. Collection method: clinical testing. Allele origin: unknown.

GeneDx
Classification: Likely benign. Last evaluated: 2017-02-20. Review status: criteria provided, single submitter. Criteria: GeneDx Variant Classification (06012015). Collection method: clinical testing. Allele origin: germline. Affected: yes.
Comment: This variant is considered likely benign or benign based on one or more of the following criteria: it is a conservative change, it occurs at a poorly conserved position in the protein, it is predicted to be benign by multiple in silico algorithms, and/or has population frequency not consistent with disease.

NM_001863.5(COX6B1):c.243G>A (p.Thr81=)

Gene: COX6B1 (cytochrome c oxidase subunit 6B1; plus strand). Cytogenetic location: 19q13.12.
Variant type: single nucleotide variant.
Coding change: c.243G>A on transcript NM_001863.5 (MANE Select); coding-DNA position 243, G replaced by A.
Protein change: p.Thr81=; no amino-acid change (threonine 81 retained).
Molecular consequence: synonymous variant.
Genome position (GRCh38, 1-based): chr19:35,658,629, G>A. VCF-style: chr19-35658629-G-A. GRCh37 (hg19) VCF-style: chr19-36149531-G-A.
Other names: c.243G>A, p.Thr81= (LRG_1246t1).
Identifiers: ClinVar variation 509612 (VCV000509612.11), dbSNP rs141958404, ClinGen allele CA9383189.